The following is an entry in ClinVar:

NM_000038.6(APC):c.7327T>C (p.Phe2443Leu)

Gene: APC (APC regulator of Wnt signaling pathway; plus strand). Cytogenetic location: 5q22.2.
Variant type: single nucleotide variant.
Coding change: c.7327T>C on transcript NM_000038.6 (MANE Select); coding-DNA position 7327, T replaced by C.
Protein change: p.Phe2443Leu; replaces phenylalanine 2443 with leucine.
Molecular consequence: missense variant.
Genome position (GRCh38, 1-based): chr5:112,842,921, T>C. VCF-style: chr5-112842921-T-C. GRCh37 (hg19) VCF-style: chr5-112178618-T-C.
Other names: c.7327T>C, p.Phe2443Leu (NM_001127510.3, NM_001354895.2); c.7273T>C, p.Phe2425Leu (NM_001127511.3); c.7381T>C, p.Phe2461Leu (NM_001354896.2); c.7357T>C, p.Phe2453Leu (NM_001354897.2); c.7252T>C, p.Phe2418Leu (NM_001354898.2); c.7243T>C, p.Phe2415Leu (NM_001354899.2); c.7204T>C, p.Phe2402Leu (NM_001354900.2); c.7150T>C, p.Phe2384Leu (NM_001354901.2); and 5 more; short protein forms F2342L, F2425L, F2453L, F2283L, F2443L, F2160L, F2415L, F2317L.
Identifiers: ClinVar variation 971797 (VCV000971797.11), dbSNP rs1766449213, ClinGen allele CA16037285.

ClinVar aggregate classification (germline): Uncertain significance (1 of 4 stars; one submission).

Conditions:
Familial adenomatous polyposis 1 (FAP1). Also called: FAMILIAL ADENOMATOUS POLYPOSIS 1, ATTENUATED; POLYPOSIS, ADENOMATOUS INTESTINAL. Identifiers: MedGen C2713442, MONDO:0021056, OMIM 175100. Disease mechanism: loss of function.

Submission:

Labcorp Genetics (formerly Invitae), Labcorp
Classification: Uncertain significance for Familial adenomatous polyposis 1. Last evaluated: 2025-08-07. Review status: criteria provided, single submitter. Criteria: Invitae Variant Classification Sherloc (09022015). Collection method: clinical testing. Allele origin: germline.
Comment: This sequence change replaces phenylalanine, which is neutral and non-polar, with leucine, which is neutral and non-polar, at codon 2443 of the APC protein (p.Phe2443Leu). This variant is not present in population databases (gnomAD no frequency). This variant has not been reported in the literature in individuals affected with APC-related conditions. ClinVar contains an entry for this variant (Variation ID: 971797). Invitae Evidence Modeling of protein sequence and biophysical properties (such as structural, functional, and spatial information, amino acid conservation, physicochemical variation, residue mobility, and thermodynamic stability) indicates that this missense variant is not expected to disrupt APC protein function with a negative predictive value of 95%. In summary, the available evidence is currently insufficient to determine the role of this variant in disease. Therefore, it has been classified as a Variant of Uncertain Significance.